The following is an entry in ClinVar:

NM_007294.4(BRCA1):c.4218G>T (p.Lys1406Asn)

Gene: BRCA1 (BRCA1 DNA repair associated; minus strand). Cytogenetic location: 17q21.31.
Variant type: single nucleotide variant.
Coding change: c.4218G>T on transcript NM_007294.4 (MANE Select); coding-DNA position 4218, G replaced by T.
Protein change: p.Lys1406Asn; replaces lysine 1406 with asparagine.
Molecular consequence: missense variant. On other transcripts: non-coding transcript variant (1).
Genome position (GRCh38, 1-based): chr17:43,082,543, C>A on the plus strand (G>T on the coding strand, the complement: BRCA1 is on the minus strand). VCF-style: chr17-43082543-C-A. GRCh37 (hg19) VCF-style: chr17-41234560-C-A.
Other names: c.4005G>T, p.Lys1335Asn (NM_001407571.1, NM_001407853.1, NM_001407894.1 and 12 more transcripts); c.4218G>T, p.Lys1406Asn (NM_001407581.1, NM_001407582.1, NM_001407583.1 and 23 more transcripts); c.4215G>T, p.Lys1405Asn (NM_001407587.1, NM_001407590.1, NM_001407591.1 and 21 more transcripts); c.4212G>T, p.Lys1404Asn (NM_001407627.1, NM_001407628.1, NM_001407629.1 and 5 more transcripts); c.4206G>T, p.Lys1402Asn (NM_001407646.1, NM_001407647.1); c.4095G>T, p.Lys1365Asn (NM_001407648.1, NM_001407664.1, NM_001407665.1 and 13 more transcripts); c.4092G>T, p.Lys1364Asn (NM_001407649.1, NM_001407670.1, NM_001407671.1 and 12 more transcripts); c.4140G>T, p.Lys1380Asn (NM_001407653.1, NM_001407654.1, NM_001407655.1 and 2 more transcripts); and 51 more; short protein forms K1359N, K1406N, K303N, K1237N, K1293N, K1295N, K135N, K1364N.
Identifiers: ClinVar variation 999083 (VCV000999083.14), dbSNP rs1800707, ClinGen allele CA10593284.

ClinVar aggregate classification (germline): Uncertain significance. Review status: criteria provided, multiple submitters, no conflicts (2 of 4 stars). 2 submissions from 2 submitters: Uncertain significance (2). Last evaluated 2022-11-23.

Conditions:
Breast-ovarian cancer, familial, susceptibility to, 1 (BROVCA1). Also called: BRCA1 Hereditary Breast and Ovarian Cancer; OVARIAN CANCER, SUSCEPTIBILITY TO. Identifiers: Orphanet 145, MedGen C2676676, MONDO:0011450, OMIM 604370. Disease mechanism: loss of function.
Hereditary breast ovarian cancer syndrome. Also called: Hereditary breast and ovarian cancer syndrome; Hereditary breast and ovarian cancer syndrome (HBOC); Breast and ovarian cancer; Hereditary breast and ovarian cancer; Hereditary breast and/or ovarian cancer syndrome; BRCA1- and BRCA2-Associated Hereditary Breast and Ovarian Cancer. Identifiers: Orphanet 145, MedGen C0677776, MeSH D061325, MONDO:0003582. Disease mechanism: loss of function.

Allele frequency attached by ClinVar (database versions not stated): gnomAD exomes 0.00001.
gnomAD v4.1: 11 of 1,614,176 alleles (0.00068%); highest among the groups gnomAD compares: Non-Finnish European, 0.00093%; no homozygotes.

Submissions (2):

Labcorp Genetics (formerly Invitae), Labcorp
Classification: Uncertain significance for Hereditary breast ovarian cancer syndrome. Last evaluated: 2022-11-23. Review status: criteria provided, single submitter. Criteria: Invitae Variant Classification Sherloc (09022015). Collection method: clinical testing. Allele origin: germline.
Comment: This sequence change replaces lysine, which is basic and polar, with asparagine, which is neutral and polar, at codon 1406 of the BRCA1 protein (p.Lys1406Asn). This variant is not present in population databases (gnomAD no frequency). This variant has not been reported in the literature in individuals affected with BRCA1-related conditions. ClinVar contains an entry for this variant (Variation ID: 999083). Advanced modeling of protein sequence and biophysical properties (such as structural, functional, and spatial information, amino acid conservation, physicochemical variation, residue mobility, and thermodynamic stability) performed at Invitae indicates that this missense variant is not expected to disrupt BRCA1 protein function. Algorithms developed to predict the effect of sequence changes on RNA splicing suggest that this variant may disrupt the consensus splice site. In summary, the available evidence is currently insufficient to determine the role of this variant in disease. Therefore, it has been classified as a Variant of Uncertain Significance.

Baylor Genetics
Classification: Uncertain significance for Breast-ovarian cancer, familial, susceptibility to, 1. Last evaluated: 2022-05-19. Review status: criteria provided, single submitter. Criteria: ACMG Guidelines, 2015. Collection method: clinical testing. Allele origin: unknown.